The following is an entry in ClinVar:

NM_173841.3(IL1RN):c.44G>A (p.Gly15Glu)

Gene: IL1RN (interleukin 1 receptor antagonist; plus strand). Cytogenetic location: 2q14.1.
Variant type: single nucleotide variant.
Coding change: c.44G>A on transcript NM_173841.3; coding-DNA position 44, G replaced by A.
Protein change: p.Gly15Glu; replaces glycine 15 with glutamic acid.
Molecular consequence: missense variant. On other transcripts: 5 prime UTR variant (1), intron variant (2).
Genome position (GRCh38, 1-based): chr2:113,120,099, G>A. VCF-style: chr2-113120099-G-A. GRCh37 (hg19) VCF-style: chr2-113877676-G-A.
Other names: c.-239G>A (NM_001318914.2); c.-209-1349G>A (NM_173843.3); c.10+2071G>A (NM_000577.5); short protein forms G15E.
Identifiers: ClinVar variation 655646 (VCV000655646.12), dbSNP rs1573288353, ClinGen allele CA348292674.

ClinVar aggregate classification (germline): Uncertain significance. Review status: criteria provided, multiple submitters, no conflicts (2 of 4 stars). 2 submissions from 2 submitters: Uncertain significance (2). Last evaluated 2021-10-25.

Conditions:
Autoinflammatory syndrome. Identifiers: Orphanet 93665, MedGen C3890737, MONDO:0019751.
Sterile multifocal osteomyelitis with periostitis and pustulosis. Also called: CHRONIC RECURRENT MULTIFOCAL OSTEOMYELITIS 2, WITH PERIOSTITIS AND PUSTULOSIS. Identifiers: Orphanet 210115, MedGen C2748507, MONDO:0013021, OMIM 612852.

Allele frequency attached by ClinVar (database versions not stated): gnomAD exomes below 0.00001.
gnomAD v4.1: 4 of 1,613,470 alleles (0.00025%); highest among the groups gnomAD compares: Non-Finnish European, 0.00025%; no homozygotes.

Submissions (2):

Genome Diagnostics Laboratory, The Hospital for Sick Children
Classification: Uncertain significance for Autoinflammatory syndrome. Last evaluated: 2021-10-25. Review status: criteria provided, single submitter. Criteria: ACMG Guidelines, 2015. Collection method: clinical testing. Allele origin: germline. Affected: yes.

Labcorp Genetics (formerly Invitae), Labcorp
Classification: Uncertain significance for Sterile multifocal osteomyelitis with periostitis and pustulosis. Last evaluated: 2018-08-14. Review status: criteria provided, single submitter. Criteria: Invitae Variant Classification Sherloc (09022015). Collection method: clinical testing. Allele origin: germline.
Comment: Algorithms developed to predict the effect of missense changes on protein structure and function (SIFT, PolyPhen-2, Align-GVGD) all suggest that this variant is likely to be tolerated, but these predictions have not been confirmed by published functional studies and their clinical significance is uncertain. In summary, the available evidence is currently insufficient to determine the role of this variant in disease. Therefore, it has been classified as a Variant of Uncertain Significance. This variant has not been reported in the literature in individuals with IL1RN-related disease. This sequence change replaces glycine with glutamic acid at codon 15 of the IL1RN protein (p.Gly15Glu). The glycine residue is weakly conserved and there is a moderate physicochemical difference between glycine and glutamic acid. This variant is not present in population databases (ExAC no frequency).